The following is an entry in ClinVar:

NM_014712.3(SETD1A):c.1419G>A (p.Pro473=)

Gene: SETD1A (SET domain containing 1A, histone lysine methyltransferase; plus strand). Cytogenetic location: 16p11.2.
Variant type: single nucleotide variant.
Coding change: c.1419G>A on transcript NM_014712.3 (MANE Select); coding-DNA position 1419, G replaced by A.
Protein change: p.Pro473=; no amino-acid change (proline 473 retained).
Molecular consequence: synonymous variant.
Genome position (GRCh38, 1-based): chr16:30,965,161, G>A. VCF-style: chr16-30965161-G-A. GRCh37 (hg19) VCF-style: chr16-30976482-G-A.
Identifiers: ClinVar variation 2646430 (VCV002646430.24), dbSNP rs750328145, ClinGen allele CA8016673.

ClinVar aggregate classification (germline): Likely benign (1 of 4 stars; one submission).

Allele frequency attached by ClinVar (database versions not stated): gnomAD exomes 0.00001; ExAC 0.00002; gnomAD 0.00002; TOPMed 0.00004.

Submission:

CeGaT Center for Human Genetics Tuebingen
Classification: Likely benign. Last evaluated: 2023-03-01. Review status: criteria provided, single submitter. Criteria: CeGaT Center For Human Genetics Tuebingen Variant Classification Criteria Version 2. Collection method: clinical testing. Allele origin: germline. Affected: yes. Observed: 1 variant allele.
Comment: SETD1A: BP4, BP7